The following is an entry in ClinVar:

ClinVar aggregate classification (germline): Uncertain significance (1 of 4 stars; one submission).

Conditions:
Nephronophthisis. Also called: Juvenile Nephronophthisis. Identifiers: Orphanet 655, MedGen C0687120, MONDO:0019005, HP:0000090.
Jeune thoracic dystrophy. Also called: Jeune syndrome; Infantile thoracic dystrophy; Thoracic pelvic phalangeal dystrophy; Jeune's syndrome; Chondroectodermal dysplasia-like syndrome; Short-rib thoracic dysplasia. Identifiers: Orphanet 474, MedGen C0265275, MONDO:0018770.

Allele frequency attached by ClinVar (database versions not stated): gnomAD exomes below 0.00001 and 0.00001; gnomAD 0.00001.

Submission:

Labcorp Genetics (formerly Invitae), Labcorp
Classification: Uncertain significance for Jeune thoracic dystrophy; Nephronophthisis. Last evaluated: 2022-04-25. Review status: criteria provided, single submitter. Criteria: Invitae Variant Classification Sherloc (09022015). Collection method: clinical testing. Allele origin: germline.
Comment: In summary, the available evidence is currently insufficient to determine the role of this variant in disease. Therefore, it has been classified as a Variant of Uncertain Significance. This variant disrupts a region of the TTC21B protein in which other variant(s) (p.Asp1308Gly) have been observed in individuals with TTC21B-related conditions (PMID: 23559409). This suggests that this is a clinically significant region of the protein, and that variants that disrupt it are likely to be disease-causing. This sequence change creates a premature translational stop signal (p.His1296Ilefs*19) in the TTC21B gene. While this is not anticipated to result in nonsense mediated decay, it is expected to disrupt the last 21 amino acid(s) of the TTC21B protein. This variant is present in population databases (no rsID available, gnomAD 0.002%). This variant has not been reported in the literature in individuals affected with TTC21B-related conditions.

Literature cited by the submitters: PubMed 23559409.

NM_024753.5(TTC21B):c.3886del (p.His1296fs)

Gene: TTC21B (tetratricopeptide repeat domain 21B; minus strand). Cytogenetic location: 2q24.3.
Variant type: Deletion.
Coding change: c.3886del on transcript NM_024753.5 (MANE Select); coding-DNA position 3886, one base deleted (C; older notation c.3886delC).
Protein change: p.His1296fs; shifts the reading frame from histidine 1296.
Molecular consequence: frameshift variant.
Genome position (GRCh38, 1-based): chr2:165,874,820, G deleted on the plus strand (C on the coding strand, the reverse complement: TTC21B is on the minus strand). VCF-style (leftmost placement, unchanged base first): chr2-165874819-TG-T. GRCh37 (hg19) VCF-style: chr2-166731329-TG-T.
Other names: short protein forms H1296fs.
Identifiers: ClinVar variation 1525867 (VCV001525867.8), dbSNP rs1452582965, ClinGen allele CA537130380.